The following is an entry in ClinVar:

NM_001242896.3(DEPDC5):c.1235del (p.Ser412fs)

Gene: DEPDC5 (DEP domain containing 5, GATOR1 subcomplex subunit; plus strand). Cytogenetic location: 22q12.3.
Variant type: Deletion.
Coding change: c.1235del on transcript NM_001242896.3 (MANE Select); coding-DNA position 1235, one base deleted (G; older notation c.1235delG).
Protein change: p.Ser412fs; shifts the reading frame from serine 412.
Molecular consequence: frameshift variant. On other transcripts: non-coding transcript variant (5).
Genome position (GRCh38, 1-based): chr22:31,806,139, G deleted. VCF-style (leftmost placement, unchanged base first): chr22-31806138-AG-A. GRCh37 (hg19) VCF-style: chr22-32202124-AG-A.
Other names: c.1151del, p.Ser384fs (NM_001369902.1, NM_001369901.1); c.1235del, p.Ser412fs (NM_001369903.1, NM_014662.6, NM_001007188.4 and 7 more transcripts); short protein forms S412fs, S384fs.
Identifiers: ClinVar variation 2092145 (VCV002092145.4), dbSNP rs2493077862, ClinGen allele CA2580099660.

ClinVar aggregate classification (germline): Pathogenic (1 of 4 stars; one submission).

Conditions:
Familial focal epilepsy with variable foci (FPEVF). Identifiers: Orphanet 98820, MedGen C1858477, MONDO:0020310.

Submission:

Labcorp Genetics (formerly Invitae), Labcorp
Classification: Pathogenic for Familial focal epilepsy with variable foci. Last evaluated: 2022-02-02. Review status: criteria provided, single submitter. Criteria: Invitae Variant Classification Sherloc (09022015). Collection method: clinical testing. Allele origin: germline.
Comment: This sequence change creates a premature translational stop signal (p.Ser412Thrfs*12) in the DEPDC5 gene. It is expected to result in an absent or disrupted protein product. Loss-of-function variants in DEPDC5 are known to be pathogenic (PMID: 23542697, 23542701). This variant is not present in population databases (gnomAD no frequency). This variant has not been reported in the literature in individuals affected with DEPDC5-related conditions. For these reasons, this variant has been classified as Pathogenic.

Literature cited by the submitters: PubMed 23542697; PubMed 23542701.